The following is an entry in ClinVar:

ClinVar aggregate classification (germline): Likely benign (1 of 4 stars; one submission).

Submission:

CeGaT Center for Human Genetics Tuebingen
Classification: Likely benign. Last evaluated: 2022-12-01. Review status: criteria provided, single submitter. Criteria: CeGaT Center For Human Genetics Tuebingen Variant Classification Criteria Version 2. Collection method: clinical testing. Allele origin: germline. Affected: yes. Observed: 1 variant allele.
Comment: ZNF41: PM2:Supporting, BP4, BP7

NM_001324144.2(ZNF41):c.81G>A (p.Val27=)

Gene: ZNF41 (zinc finger protein 41; minus strand). Cytogenetic location: Xp11.3.
Variant type: single nucleotide variant.
Coding change: c.81G>A on transcript NM_001324144.2 (MANE Select); coding-DNA position 81, G replaced by A.
Protein change: p.Val27=; no amino-acid change (valine 27 retained).
Molecular consequence: synonymous variant. On other transcripts: 5 prime UTR variant (6).
Genome position (GRCh38, 1-based): chrX:47,456,390, C>T on the plus strand (G>A on the coding strand, the complement: ZNF41 is on the minus strand). VCF-style: chrX-47456390-C-T. GRCh37 (hg19) VCF-style: chrX-47315789-C-T.
Other names: c.-178G>A (NM_001324139.2, NM_001324141.2, NM_001324143.2 and 3 more transcripts); c.81G>A, p.Val27= (NM_001324140.2, NM_001324147.2, NM_001324150.2 and 3 more transcripts); c.87G>A, p.Val29= (NM_001324142.2, NM_001324148.2, NM_001324156.1); c.111G>A, p.Val37= (NM_001324151.2, NM_001324153.2); c.183G>A, p.Val61= (NM_001324154.1); c.207G>A, p.Val69= (NM_001324155.1).
Identifiers: ClinVar variation 2660424 (VCV002660424.24), dbSNP rs200200136, ClinGen allele CA516278229.